The following is an entry in ClinVar:

ClinVar aggregate classification (germline): Likely pathogenic (1 of 4 stars; one submission).

Submission:

Labcorp Genetics (formerly Invitae), Labcorp
Classification: Likely pathogenic. Last evaluated: 2023-12-07. Review status: criteria provided, single submitter. Criteria: Invitae Variant Classification Sherloc (09022015). Collection method: clinical testing. Allele origin: germline.
Comment: This sequence change affects a splice site in intron 5 of the OCA2 gene. It is expected to disrupt RNA splicing. Variants that disrupt the donor or acceptor splice site typically lead to a loss of protein function (PMID: 16199547), and loss-of-function variants in OCA2 are known to be pathogenic (PMID: 19865097, 21541274). This variant is not present in population databases (gnomAD no frequency). This variant has not been reported in the literature in individuals affected with OCA2-related conditions. Algorithms developed to predict the effect of sequence changes on RNA splicing suggest that this variant may disrupt the consensus splice site. In summary, the currently available evidence indicates that the variant is pathogenic, but additional data are needed to prove that conclusively. Therefore, this variant has been classified as Likely Pathogenic.

Literature cited by the submitters: PubMed 16199547; PubMed 19865097; PubMed 21541274.

NM_000275.3(OCA2):c.573+2_573+3del

Gene: OCA2 (OCA2 melanosomal transmembrane protein; minus strand). Cytogenetic location: 15q13.1.
Variant type: Microsatellite.
Coding change: c.573+2_573+3del on transcript NM_000275.3 (MANE Select); the canonical splice donor site of the intron after coding-DNA position 573 through 3 bases into the intron after coding-DNA position 573, 2 bases deleted (TG; older notation c.573+2_573+3delTG).
Molecular consequence: splice donor variant.
Genome position (GRCh38, 1-based): chr15:28,024,842-28,024,843, CA deleted on the plus strand (TG on the coding strand, the reverse complement: OCA2 is on the minus strand); deleting any 2 consecutive bases within chr15:28,024,842-28,024,845 gives the same sequence; the c. name uses the placement nearest the transcript's 3' end. VCF-style (leftmost placement, unchanged base first): chr15-28024841-TCA-T. GRCh37 (hg19) VCF-style: chr15-28269987-TCA-T.
Other names: c.573+2_573+3del (NM_001300984.2).
Identifiers: ClinVar variation 2850288 (VCV002850288.3), dbSNP rs2548483335, ClinGen allele CA2739278924.